The following is an entry in ClinVar:

NM_025137.3(SPG11):c.3145_3146insCA (p.Asp1049Alafs)

Gene: SPG11 (SPG11 vesicle trafficking associated, spatacsin; minus strand).
Variant type: Insertion.
Coding change: c.3145_3146insCA on transcript NM_025137.3; coding-DNA positions 3145 to 3146, CA inserted.
Protein change: p.Asp1049Alafs; shifts the reading frame from aspartic acid 1049.
Identifiers: ClinVar variation 41303 (VCV000041303.2).

ClinVar aggregate classification (germline): Pathogenic (0 of 4 stars; one submission).

Conditions:
Hereditary spastic paraplegia 11. Also called: SPASTIC PARAPLEGIA, AUTOSOMAL RECESSIVE, COMPLICATED, WITH THIN CORPUS CALLOSUM; SPASTIC PARAPLEGIA, AUTOSOMAL RECESSIVE, WITH MENTAL IMPAIRMENT AND THIN CORPUS CALLOSUM; Spastic paraplegia, mental retardation and thin corpus callosum; Spastic Paraplegia 11; Nakamura Osame syndrome; Autosomal recessive hereditary spastic paraplegia, mental impairment, and thin corpus callosum. Identifiers: Orphanet 2822, MedGen C1858479, MONDO:0011445, OMIM 604360.

Submission:

GeneReviews
Classification: Pathogenic for Spastic Paraplegia 11. Last evaluated: 2013-01-31. Review status: no assertion criteria provided. Collection method: curation. Allele origin: unknown.
ClinVar note: Converted during submission from pathologic to Pathogenic.